The following is an entry in ClinVar:

ClinVar aggregate classification (germline): Uncertain significance. Review status: criteria provided, multiple submitters, no conflicts (2 of 4 stars). 2 submissions from 2 submitters: Uncertain significance (2). Last evaluated 2025-09-19.

Conditions:
Hyperaldosteronism, familial, type IV (HALD4). Also called: FH IV; ALDOSTERONISM, PRIMARY, AND HYPERTENSION. Identifiers: Orphanet 642671, MedGen C4310756, MONDO:0014875, OMIM 617027.
Idiopathic generalized epilepsy. Also called: EIG; Generalised epilepsy. Identifiers: MedGen C0270850, MONDO:0005579, OMIM 600669.

Allele frequency attached by ClinVar (database versions not stated): TOPMed below 0.00001; ExAC 0.00001; gnomAD exomes 0.00001; gnomAD 0.00001.

Submissions (2):

Labcorp Genetics (formerly Invitae), Labcorp
Classification: Uncertain significance for Idiopathic generalized epilepsy; Hyperaldosteronism, familial, type IV. Last evaluated: 2025-09-19. Review status: criteria provided, single submitter. Criteria: Invitae Variant Classification Sherloc (09022015). Collection method: clinical testing. Allele origin: germline.
Comment: This sequence change replaces methionine, which is neutral and non-polar, with threonine, which is neutral and polar, at codon 1383 of the CACNA1H protein (p.Met1383Thr). This variant is not present in population databases (gnomAD no frequency). This variant has not been reported in the literature in individuals affected with CACNA1H-related conditions. ClinVar contains an entry for this variant (Variation ID: 1703903). Invitae Evidence Modeling of protein sequence and biophysical properties (such as structural, functional, and spatial information, amino acid conservation, physicochemical variation, residue mobility, and thermodynamic stability) indicates that this missense variant is not expected to disrupt CACNA1H protein function with a negative predictive value of 80%. In summary, the available evidence is currently insufficient to determine the role of this variant in disease. Therefore, it has been classified as a Variant of Uncertain Significance.

GeneDx
Classification: Uncertain significance. Last evaluated: 2022-11-30. Review status: criteria provided, single submitter. Criteria: GeneDx Variant Classification Process June 2021. Collection method: clinical testing. Allele origin: germline. Affected: yes.
Comment: Not observed at significant frequency in large population cohorts (gnomAD); In silico analysis supports that this missense variant has a deleterious effect on protein structure/function; Has not been previously published as pathogenic or benign to our knowledge

NM_021098.3(CACNA1H):c.4148T>C (p.Met1383Thr)

Gene: CACNA1H (calcium voltage-gated channel subunit alpha1 H; plus strand). Cytogenetic location: 16p13.3.
Variant type: single nucleotide variant.
Coding change: c.4148T>C on transcript NM_021098.3 (MANE Select); coding-DNA position 4148, T replaced by C.
Protein change: p.Met1383Thr; replaces methionine 1383 with threonine.
Molecular consequence: missense variant.
Genome position (GRCh38, 1-based): chr16:1,210,896, T>C. VCF-style: chr16-1210896-T-C. GRCh37 (hg19) VCF-style: chr16-1260896-T-C.
Other names: c.4148T>C, p.Met1383Thr (NM_001005407.2); short protein forms M1383T.
Identifiers: ClinVar variation 1703903 (VCV001703903.3), dbSNP rs762340286, ClinGen allele CA7801160.